The following is an entry in ClinVar:

ClinVar aggregate classification (germline): Likely benign. Review status: criteria provided, multiple submitters, no conflicts (2 of 4 stars). 3 submissions from 3 submitters: Likely benign (3). Last evaluated 2026-09-18.

Conditions:
IMPG1-related disorder. Also called: IMPG1-related condition.

Allele frequency attached by ClinVar (database versions not stated): gnomAD exomes below 0.00001; gnomAD 0.00001 and 0.00002; TOPMed 0.00002.
gnomAD v4.1: 5 of 1,594,436 alleles (0.00031%); highest among the groups gnomAD compares: African/African-American, 0.004%; no homozygotes.

Submissions (3):

PreventionGenetics, part of Exact Sciences
Classification: Likely benign for IMPG1-related condition. Last evaluated: 2026-09-18. Review status: criteria provided, single submitter. Criteria: ACMG Guidelines, 2015. Collection method: clinical testing. Allele origin: germline.
Comment: This variant is classified as likely benign based on ACMG/AMP sequence variant interpretation guidelines (Richards et al. 2015 PMID: 25741868, with internal and published modifications).

Blueprint Genetics
Classification: Likely benign. Last evaluated: 2023-11-09. Review status: criteria provided, single submitter. Criteria: ACMG Guidelines, 2015. Collection method: clinical testing. Allele origin: germline.

Labcorp Genetics (formerly Invitae), Labcorp
Classification: Likely benign. Last evaluated: 2021-12-09. Review status: criteria provided, single submitter. Criteria: Invitae Variant Classification Sherloc (09022015). Collection method: clinical testing. Allele origin: germline.

NM_001563.4(IMPG1):c.291T>C (p.Tyr97=)

Gene: IMPG1 (interphotoreceptor matrix proteoglycan 1; minus strand). Cytogenetic location: 6q14.1.
Variant type: single nucleotide variant.
Coding change: c.291T>C on transcript NM_001563.4 (MANE Select); coding-DNA position 291, T replaced by C.
Protein change: p.Tyr97=; no amino-acid change (tyrosine 97 retained).
Molecular consequence: synonymous variant. On other transcripts: intron variant (1).
Genome position (GRCh38, 1-based): chr6:76,041,903, A>G on the plus strand (T>C on the coding strand, the complement: IMPG1 is on the minus strand). VCF-style: chr6-76041903-A-G. GRCh37 (hg19) VCF-style: chr6-76751620-A-G.
Other names: c.291T>C (NM_001563.3); c.68-7116T>C (NM_001282368.2).
Identifiers: ClinVar variation 1636186 (VCV001636186.10), dbSNP rs1357627980, ClinGen allele CA451115878.